The following is an entry in ClinVar:

ClinVar aggregate classification (germline): Uncertain significance (1 of 4 stars; one submission).

Submission:

Labcorp Genetics (formerly Invitae), Labcorp
Classification: Uncertain significance. Last evaluated: 2024-04-22. Review status: criteria provided, single submitter. Criteria: Invitae Variant Classification Sherloc (09022015). Collection method: clinical testing. Allele origin: germline.
Comment: This sequence change replaces valine, which is neutral and non-polar, with leucine, which is neutral and non-polar, at codon 166 of the POLE protein (p.Val166Leu). This variant is not present in population databases (gnomAD no frequency). This variant has not been reported in the literature in individuals affected with POLE-related conditions. ClinVar contains an entry for this variant (Variation ID: 1718222). Advanced modeling of protein sequence and biophysical properties (such as structural, functional, and spatial information, amino acid conservation, physicochemical variation, residue mobility, and thermodynamic stability) performed at Invitae indicates that this missense variant is not expected to disrupt POLE protein function with a negative predictive value of 80%. In summary, the available evidence is currently insufficient to determine the role of this variant in disease. Therefore, it has been classified as a Variant of Uncertain Significance.

NM_006231.4(POLE):c.496G>C (p.Val166Leu)

Gene: POLE (DNA polymerase epsilon, catalytic subunit; minus strand). Cytogenetic location: 12q24.33.
Variant type: single nucleotide variant.
Coding change: c.496G>C on transcript NM_006231.4 (MANE Select); coding-DNA position 496, G replaced by C.
Protein change: p.Val166Leu; replaces valine 166 with leucine.
Molecular consequence: missense variant.
Genome position (GRCh38, 1-based): chr12:132,679,579, C>G on the plus strand (G>C on the coding strand, the complement: POLE is on the minus strand). VCF-style: chr12-132679579-C-G. GRCh37 (hg19) VCF-style: chr12-133256165-C-G.
Other names: short protein forms V166L.
Identifiers: ClinVar variation 1718222 (VCV001718222.5), dbSNP rs2136027473, ClinGen allele CA387367190.